The following continues an entry in ClinVar:

NM_001040142.2(SCN2A):c.788C>T (p.Ala263Val)

Gene: SCN2A. ClinVar aggregate classification (germline): Pathogenic. Pathogenic (19).

Submissions 12 to 23 of 23:

Institute of Medical Genetics and Applied Genomics, University Hospital Tübingen
Classification: Pathogenic. Last evaluated: 2021-02-01. Review status: criteria provided, single submitter. Criteria: ACMG Guidelines, 2015. Collection method: clinical testing. Allele origin: germline. Inheritance: Autosomal dominant inheritance. Affected: yes.

Rady Children's Institute for Genomic Medicine, Rady Children's Hospital San Diego
Classification: Pathogenic for SCN2A-related disorders. Last evaluated: 2020-06-11. Review status: criteria provided, single submitter. Criteria: ACMG Guidelines, 2015. Collection method: clinical testing. Allele origin: germline. Affected: yes.
Comment: This variant is a recurrent missense alteration previously reported as a de novo heterozygous change in multiple unrelated individuals with SCN2A-related phenotypes, including early-onset epilepsy, encephalopathy, Ohtahara syndrome and childhood-onset episodic ataxia (PMID: 20956790, 23550958, 26645390). Functional studies demonstrate that this variant leads to a gain-of-function, resulting in an increased persistent sodium current (PMID: 20956790). It is absent from the gnomAD population database and thus is presumed to be rare. The c.788C>T (p.Ala263Val) variant affects a highly conserved amino acid and is predicted by multiple in silico tools to have a deleterious effect on protein function. Analysis of the parental samples was negative for the variant, indicating this variant likely occurred as a de novo event. Based on the available evidence, the c.788C>T (p.Ala263Val) variant is classified as Pathogenic.

CeGaT Center for Human Genetics Tuebingen
Classification: Pathogenic. Last evaluated: 2018-12-01. Review status: criteria provided, single submitter. Criteria: CeGaT Center For Human Genetics Tuebingen Variant Classification Criteria Version 2. Collection method: clinical testing. Allele origin: germline. Affected: yes. Observed: 3 variant alleles.

Undiagnosed Diseases Network, NIH
Classification: Pathogenic for SCN2A-related condition. Last evaluated: 2017-11-12. Review status: criteria provided, single submitter. Criteria: ACMG Guidelines, 2015. Collection method: clinical testing. Allele origin: unknown. Inheritance: Autosomal dominant inheritance. Affected: yes. Observed: 1 variant allele, 1 heterozygote. Study: Undiagnosed Diseases Network (NIH), UDN.

Neurogenetics Laboratory - MEYER, AOU Meyer
Classification: Pathogenic for Epileptic encephalopathy. Last evaluated: 2016-11-16. Review status: criteria provided, single submitter. Criteria: ACMG Guidelines, 2015. Collection method: clinical testing. Allele origin: de novo. Affected: yes. Observed: 1 heterozygote.

Genetic Services Laboratory, University of Chicago
Classification: Pathogenic for Seizures, benign familial infantile, 3. Last evaluated: 2013-08-06. Review status: criteria provided, single submitter. Criteria: ACMG Guidelines, 2007. Collection method: clinical testing. Allele origin: germline. Inheritance: Autosomal dominant inheritance. Affected: yes.

CENTOGENE GmbH and LLC - Guiding Precision Medicine
Classification: Pathogenic for Developmental and epileptic encephalopathy, 11. Review status: criteria provided, single submitter. Criteria: ACMG Guidelines, 2015. Collection method: clinical testing. Allele origin: germline. Affected: yes.

Department of Neurology, Children’s Hospital of Chongqing Medical University
Classification: Pathogenic for Infantile spasms. Review status: criteria provided, single submitter. Criteria: ACMG Guidelines, 2015. Collection method: research. Allele origin: de novo. Affected: yes.

OMIM
Classification: Pathogenic for EPISODIC ATAXIA, TYPE 9. Last evaluated: 2013-05-01. Review status: no assertion criteria provided. Collection method: literature only. Allele origin: germline. Not counted in ClinVar's aggregate classification.

OMIM
Classification: Pathogenic for DEVELOPMENTAL AND EPILEPTIC ENCEPHALOPATHY 11. Last evaluated: 2013-05-01. Review status: no assertion criteria provided. Collection method: literature only. Allele origin: germline. Not counted in ClinVar's aggregate classification.

Genome Diagnostics Laboratory, University Medical Center Utrecht
Classification: Pathogenic. Review status: no assertion criteria provided. Collection method: clinical testing. Allele origin: germline. Affected: yes. Study: VKGL Data-share Consensus. Not counted in ClinVar's aggregate classification.

Joint Genome Diagnostic Labs from Nijmegen and Maastricht, Radboudumc and MUMC+
Classification: Pathogenic. Review status: no assertion criteria provided. Collection method: clinical testing. Allele origin: germline. Affected: yes. Study: VKGL Data-share Consensus. Not counted in ClinVar's aggregate classification.

Literature cited by the submitters: PubMed 26645390 (cited by 7 submitters); PubMed 27159988 (cited by 5 submitters); PubMed 28065826 (cited by 6 submitters); PubMed 20956790 (cited by 8 submitters); PubMed 23550958 (cited by 5 submitters); PubMed 27882351 (cited by Ambry Genetics); PubMed 28379373 (cited by 4 submitters); PubMed 30361185 (cited by 3 submitters); PubMed 30928199 (cited by 3 submitters); PubMed 31054490 (cited by 3 submitters); PubMed 33000761 (cited by Ambry Genetics); PubMed 35637276 (cited by Ambry Genetics); PubMed 23935176 (cited by 3billion); PubMed 32860008 (cited by Athena Diagnostics and CENTOGENE GmbH and LLC - Guiding Precision Medicine); PubMed 32090326 (cited by Athena Diagnostics and AiLife Diagnostics); PubMed 27334371 (cited by Athena Diagnostics and AiLife Diagnostics); PubMed 32488064 (cited by Athena Diagnostics and AiLife Diagnostics); PubMed 33084218 (cited by Athena Diagnostics); PubMed 32139178 (cited by Athena Diagnostics and AiLife Diagnostics); PubMed 26283219 (cited by Athena Diagnostics and AiLife Diagnostics); PubMed 31175295 (cited by Athena Diagnostics); PubMed 32651551 (cited by Athena Diagnostics).